The following is an entry in ClinVar:

NM_002296.4(LBR):c.23A>G (p.Asp8Gly)

Gene: LBR (lamin B receptor; minus strand). Cytogenetic location: 1q42.12.
Variant type: single nucleotide variant.
Coding change: c.23A>G on transcript NM_002296.4 (MANE Select); coding-DNA position 23, A replaced by G.
Protein change: p.Asp8Gly; replaces aspartic acid 8 with glycine.
Molecular consequence: missense variant.
Genome position (GRCh38, 1-based): chr1:225,424,053, T>C on the plus strand (A>G on the coding strand, the complement: LBR is on the minus strand). VCF-style: chr1-225424053-T-C. GRCh37 (hg19) VCF-style: chr1-225611755-T-C.
Other names: c.23A>G, p.Asp8Gly (NM_194442.3); short protein forms D8G.
Identifiers: ClinVar variation 4775770 (VCV004775770.1).

ClinVar aggregate classification (germline): Uncertain significance (1 of 4 stars; one submission).

gnomAD v4.1: 2 of 1,614,062 alleles (0.00012%); highest among the groups gnomAD compares: Non-Finnish European, 0.000085%; no homozygotes.

Submission:

Labcorp Genetics (formerly Invitae), Labcorp
Classification: Uncertain significance. Last evaluated: 2025-09-03. Review status: criteria provided, single submitter. Criteria: Invitae Variant Classification Sherloc (09022015). Collection method: clinical testing. Allele origin: germline.
Comment: This sequence change replaces aspartic acid, which is acidic and polar, with glycine, which is neutral and non-polar, at codon 8 of the LBR protein (p.Asp8Gly). This variant is not present in population databases (gnomAD no frequency). This variant has not been reported in the literature in individuals affected with LBR-related conditions. Invitae Evidence Modeling of protein sequence and biophysical properties (such as structural, functional, and spatial information, amino acid conservation, physicochemical variation, residue mobility, and thermodynamic stability) indicates that this missense variant is not expected to disrupt LBR protein function with a negative predictive value of 95%. In summary, the available evidence is currently insufficient to determine the role of this variant in disease. Therefore, it has been classified as a Variant of Uncertain Significance.